The following is an entry in ClinVar:

ClinVar aggregate classification (germline): Uncertain significance. Review status: criteria provided, multiple submitters, no conflicts (2 of 4 stars). 4 submissions from 4 submitters: Uncertain significance (4). Last evaluated 2025-12-09.

Conditions:
Hereditary nonpolyposis colorectal neoplasms. Identifiers: MedGen C0009405, MeSH D003123.
Hereditary cancer-predisposing syndrome. Also called: Hereditary Cancer Syndrome; Hereditary neoplastic syndrome; Neoplastic Syndromes, Hereditary; Tumor predisposition. Identifiers: Orphanet 140162, MedGen C0027672, MeSH D009386, MONDO:0015356.

gnomAD v4.1: 1 of 1,614,122 alleles (0.000062%); no homozygotes.

Submissions (4):

Ambry Genetics
Classification: Uncertain significance for Hereditary cancer-predisposing syndrome. Last evaluated: 2025-12-09. Review status: criteria provided, single submitter. Criteria: Ambry Variant Classification Scheme 2023. Collection method: clinical testing. Allele origin: germline.
Comment: The p.D629Y variant (also known as c.1885G>T), located in coding exon 4 of the MSH6 gene, results from a G to T substitution at nucleotide position 1885. The aspartic acid at codon 629 is replaced by tyrosine, an amino acid with highly dissimilar properties. This alteration was detected in a study of 1165 individuals with a history of colorectal cancer or colon polyps (Gordon AS et al. Am J Hum Genet, 2019 Sep;105:526-533). This amino acid position is well conserved in available vertebrate species. In addition, the in silico prediction for this alteration is inconclusive. Since supporting evidence is limited at this time, the clinical significance of this alteration remains unclear.

Labcorp Genetics (formerly Invitae), Labcorp
Classification: Uncertain significance for Hereditary nonpolyposis colorectal neoplasms. Last evaluated: 2024-07-10. Review status: criteria provided, single submitter. Criteria: Invitae Variant Classification Sherloc (09022015). Collection method: clinical testing. Allele origin: germline.
Comment: This sequence change replaces aspartic acid, which is acidic and polar, with tyrosine, which is neutral and polar, at codon 629 of the MSH6 protein (p.Asp629Tyr). This variant is not present in population databases (gnomAD no frequency). This variant has not been reported in the literature in individuals affected with MSH6-related conditions. ClinVar contains an entry for this variant (Variation ID: 455160). Advanced modeling of protein sequence and biophysical properties (such as structural, functional, and spatial information, amino acid conservation, physicochemical variation, residue mobility, and thermodynamic stability) performed at Invitae indicates that this missense variant is not expected to disrupt MSH6 protein function with a negative predictive value of 95%. In summary, the available evidence is currently insufficient to determine the role of this variant in disease. Therefore, it has been classified as a Variant of Uncertain Significance.

Quest Diagnostics Nichols Institute San Juan Capistrano
Classification: Uncertain significance. Last evaluated: 2019-01-17. Review status: criteria provided, single submitter. Criteria: Quest Diagnostics criteria. Collection method: clinical testing. Allele origin: germline.

Laboratory for Molecular Medicine, Mass General Brigham Personalized Medicine
Classification: Uncertain significance. Last evaluated: 2017-01-11. Review status: criteria provided, single submitter. Criteria: LMM Criteria. Collection method: clinical testing. Allele origin: germline. Observed: 1 variant allele.
Comment: The p.Asp629Tyr variant in MSH6 has not been previously reported in individuals with Lynch syndrome and was absent from large population studies. Computational prediction tools and conservation analysis do not provide strong support for or against an impact to the protein. In summary, the clinical significance of the p .Asp62Tyr variant is uncertain.

Literature cited by the submitters: PubMed 31422818 (cited by Ambry Genetics).

NM_000179.3(MSH6):c.1885G>T (p.Asp629Tyr)

Gene: MSH6 (mutS homolog 6; plus strand). Cytogenetic location: 2p16.3.
Variant type: single nucleotide variant.
Coding change: c.1885G>T on transcript NM_000179.3 (MANE Select); coding-DNA position 1885, G replaced by T.
Protein change: p.Asp629Tyr; replaces aspartic acid 629 with tyrosine.
Molecular consequence: missense variant.
Genome position (GRCh38, 1-based): chr2:47,799,868, G>T. VCF-style: chr2-47799868-G-T. GRCh37 (hg19) VCF-style: chr2-48027007-G-T.
Other names: c.1495G>T, p.Asp499Tyr (NM_001281492.2); c.979G>T, p.Asp327Tyr (NM_001281493.2, NM_001281494.2); short protein forms D629Y, D499Y, D327Y.
Identifiers: ClinVar variation 455160 (VCV000455160.19), dbSNP rs1064795030, ClinGen allele CA346749990.
Genomic context (GRCh38, chr2:47,799,868, plus strand): 5'-CTAAAGAGTTCATTGTCCTGTTCTCTTCAGGAAGGTCTGATACCCGGCTCCCAGTTTTGG[G>T]ATGCATCCAAAACTTTGAGAACTCTCCTTGAGGAAGAATATTTTAGGGAAAAGCTAAGTG-3'
Protein context (NP_000170.1, residues 619-639): EGLIPGSQFW[Asp629Tyr]ASKTLRTLLE